The following is an entry in ClinVar:

NM_018263.6(ASXL2):c.4170G>C (p.Glu1390Asp)

Gene: ASXL2 (ASXL transcriptional regulator 2; minus strand). Cytogenetic location: 2p23.3.
Variant type: single nucleotide variant.
Coding change: c.4170G>C on transcript NM_018263.6 (MANE Select); coding-DNA position 4170, G replaced by C.
Protein change: p.Glu1390Asp; replaces glutamic acid 1390 with aspartic acid.
Molecular consequence: missense variant.
Genome position (GRCh38, 1-based): chr2:25,742,167, C>G on the plus strand (G>C on the coding strand, the complement: ASXL2 is on the minus strand). VCF-style: chr2-25742167-C-G. GRCh37 (hg19) VCF-style: chr2-25965036-C-G.
Other names: c.3996G>C, p.Glu1332Asp (NM_001369346.1); c.3390G>C, p.Glu1130Asp (NM_001369347.1); short protein forms E1130D, E1332D, E1390D.
Identifiers: ClinVar variation 3063746 (VCV003063746.1), dbSNP rs751309437, ClinGen allele CA1557344.

ClinVar aggregate classification (germline): Uncertain significance (1 of 4 stars; one submission).

gnomAD v4.1: 16 of 1,614,060 alleles (0.00099%); highest among the groups gnomAD compares: Non-Finnish European, 0.0014%; no homozygotes.

Submission:

Women's Health and Genetics/Laboratory Corporation of America, LabCorp
Classification: Uncertain significance. Last evaluated: 2024-01-03. Review status: criteria provided, single submitter. Criteria: LabCorp Variant Classification Summary - May 2015. Collection method: clinical testing. Allele origin: germline.
Comment: Variant summary: ASXL2 c.4170G>C (p.Glu1390Asp) results in a conservative amino acid change located in the Protein ASX-like, PHD domain (IPR026905) of the encoded protein sequence. Five of five in-silico tools predict a benign effect of the variant on protein function. The variant was absent in 249270 control chromosomes. The available data on variant occurrences in the general population are insufficient to allow any conclusion about variant significance. To our knowledge, no occurrence of c.4170G>C in individuals affected with Shashi-Pena Syndrome and no experimental evidence demonstrating its impact on protein function have been reported. No submitters have cited clinical-significance assessments for this variant to ClinVar after 2014. Based on the evidence outlined above, the variant was classified as uncertain significance.